The following is an entry in ClinVar:

NM_138694.4(PKHD1):c.7777A>C (p.Ser2593Arg)

Gene: PKHD1 (PKHD1 ciliary IPT domain containing fibrocystin/polyductin; minus strand). Cytogenetic location: 6p12.2.
Variant type: single nucleotide variant.
Coding change: c.7777A>C on transcript NM_138694.4 (MANE Select); coding-DNA position 7777, A replaced by C.
Protein change: p.Ser2593Arg; replaces serine 2593 with arginine.
Molecular consequence: missense variant.
Genome position (GRCh38, 1-based): chr6:51,856,027, T>G on the plus strand (A>C on the coding strand, the complement: PKHD1 is on the minus strand). VCF-style: chr6-51856027-T-G. GRCh37 (hg19) VCF-style: chr6-51720825-T-G.
Other names: p.Ser2593Arg; c.7777A>C, p.Ser2593Arg (NM_170724.3); short protein forms S2593R.
Identifiers: ClinVar variation 3379681 (VCV003379681.1).

ClinVar aggregate classification (germline): Uncertain significance (1 of 4 stars; one submission).

gnomAD v4.1: 1 of 1,608,972 alleles (0.000062%); highest among the groups gnomAD compares: Non-Finnish European, 0.000085%; no homozygotes.

Submission:

Mayo Clinic Laboratories, Mayo Clinic
Classification: Uncertain significance. Last evaluated: 2024-05-07. Review status: criteria provided, single submitter. Criteria: ACMG Guidelines, 2015. Collection method: clinical testing. Allele origin: germline. Observed: 1 variant allele.
Comment: PM2